The following is an entry in ClinVar:

NM_001395413.1(POR):c.78G>A (p.Thr26=)

Gene: POR (cytochrome p450 oxidoreductase; plus strand). Cytogenetic location: 7q11.23.
Variant type: single nucleotide variant.
Coding change: c.78G>A on transcript NM_001395413.1 (MANE Select); coding-DNA position 78, G replaced by A.
Protein change: p.Thr26=; no amino-acid change (threonine 26 retained).
Molecular consequence: synonymous variant.
Genome position (GRCh38, 1-based): chr7:75,954,079, G>A. VCF-style: chr7-75954079-G-A. GRCh37 (hg19) VCF-style: chr7-75583397-G-A.
Other names: c.78G>A, p.Thr26= (NM_001367562.3, NM_001382655.3, NM_001382657.2 and 3 more transcripts).
Identifiers: ClinVar variation 360691 (VCV000360691.30), dbSNP rs41295381, ClinGen allele CA4303447.

ClinVar aggregate classification (germline): Conflicting classifications of pathogenicity. Review status: criteria provided, conflicting classifications (1 of 4 stars). 4 submissions from 4 submitters: Uncertain significance (1); Benign (3). Last evaluated 2026-02-02.

Conditions:
Congenital adrenal hyperplasia due to cytochrome P450 oxidoreductase deficiency. Also called: DISORDERED STEROIDOGENESIS DUE TO POR DEFICIENCY. Identifiers: Orphanet 95699, MedGen C1860042, MONDO:0013310, OMIM 613571.

Allele frequency attached by ClinVar (database versions not stated): gnomAD exomes 0.00172 and 0.00341; ExAC 0.00481; ESP Exome Variant Server 0.00624; gnomAD 0.00665 and 0.00681; TOPMed 0.00713; 1000 Genomes Project 0.00819; 1000 Genomes Project 30x 0.00828.

Submissions (8):

Labcorp Genetics (formerly Invitae), Labcorp
Classification: Benign for Congenital adrenal hyperplasia due to cytochrome P450 oxidoreductase deficiency. Last evaluated: 2026-02-02. Review status: criteria provided, single submitter. Criteria: Invitae Variant Classification Sherloc (09022015). Collection method: clinical testing. Allele origin: germline.

ARUP Laboratories, Molecular Genetics and Genomics, ARUP Laboratories
Classification: Benign. Last evaluated: 2025-02-25. Review status: criteria provided, single submitter. Criteria: ARUP Molecular Germline Variant Investigation Process 2024. Collection method: clinical testing. Allele origin: germline.

GeneDx
Classification: Benign. Last evaluated: 2019-12-04. Review status: criteria provided, single submitter. Criteria: GeneDx Variant Classification Process June 2021. Collection method: clinical testing. Allele origin: germline. Affected: yes.
Comment: This variant is associated with the following publications: (PMID: 17827787)

Illumina Laboratory Services, Illumina
Classification: Uncertain significance for Congenital adrenal hyperplasia due to cytochrome P450 oxidoreductase deficiency. Last evaluated: 2018-01-12. Review status: criteria provided, single submitter. Criteria: ICSL Variant Classification Criteria 13 December 2019. Collection method: clinical testing. Allele origin: germline.

Dr. Peter K. Rogan Lab, Western University
No classification provided (evidence only). Condition: Uterine corpus endometrial carcinoma. Review status: no classification provided. Collection method: in vitro. Allele origin: not applicable. Functional consequence: retained intron. Not counted in ClinVar's aggregate classification.

Dr. Peter K. Rogan Lab, Western University
No classification provided (evidence only). Condition: Uterine corpus endometrial carcinoma. Review status: no classification provided. Collection method: in vitro. Allele origin: not applicable. Functional consequence: retained intron. Not counted in ClinVar's aggregate classification.

Dr. Peter K. Rogan Lab, Western University
No classification provided (evidence only). Condition: Malignant lymphoma, large B-cell, diffuse. Review status: no classification provided. Collection method: in vitro. Allele origin: not applicable. Functional consequence: retained intron. Not counted in ClinVar's aggregate classification.

Dr. Peter K. Rogan Lab, Western University
No classification provided (evidence only). Condition: Ovarian serous cystadenocarcinoma. Review status: no classification provided. Collection method: in vitro. Allele origin: not applicable. Functional consequence: retained intron. Not counted in ClinVar's aggregate classification.